The following is an entry in ClinVar:

NM_020297.4(ABCC9):c.907T>C (p.Phe303Leu)

Gene: ABCC9 (ATP binding cassette subfamily C member 9; minus strand). Cytogenetic location: 12p12.1.
Variant type: single nucleotide variant.
Coding change: c.907T>C on transcript NM_020297.4 (MANE Select); coding-DNA position 907, T replaced by C.
Protein change: p.Phe303Leu; replaces phenylalanine 303 with leucine.
Molecular consequence: missense variant.
Genome position (GRCh38, 1-based): chr12:21,912,976, A>G on the plus strand (T>C on the coding strand, the complement: ABCC9 is on the minus strand). VCF-style: chr12-21912976-A-G. GRCh37 (hg19) VCF-style: chr12-22065910-A-G.
Other names: c.907T>C, p.Phe303Leu (NM_001377273.1, NM_005691.4); c.43T>C, p.Phe15Leu (NM_001377274.1); short protein forms F15L, F303L.
Identifiers: ClinVar variation 2627250 (VCV002627250.1), dbSNP rs776519364, ClinGen allele CA6481774.

ClinVar aggregate classification (germline): Uncertain significance (1 of 4 stars; one submission).

Allele frequency attached by ClinVar (database versions not stated): ExAC 0.00001.

Submission:

Women's Health and Genetics/Laboratory Corporation of America, LabCorp
Classification: Uncertain significance. Last evaluated: 2023-09-15. Review status: criteria provided, single submitter. Criteria: LabCorp Variant Classification Summary - May 2015. Collection method: clinical testing. Allele origin: germline.
Comment: Variant summary: ABCC9 c.907T>C (p.Phe303Leu) results in a non-conservative amino acid change in the encoded protein sequence. Three of five in-silico tools predict a benign effect of the variant on protein function. The variant allele was found at a frequency of 4e-06 in 250906 control chromosomes. The available data on variant occurrences in the general population are insufficient to allow any conclusion about variant significance. To our knowledge, no occurrence of c.907T>C in individuals affected with Cardiomyopathy and no experimental evidence demonstrating its impact on protein function have been reported. No submitters have cited clinical-significance assessments for this variant to ClinVar after 2014. Based on the evidence outlined above, the variant was classified as uncertain significance.